The following is an entry in ClinVar:

NM_000030.3(AGXT):c.507C>T (p.Phe169=)

Gene: AGXT (alanine--glyoxylate aminotransferase; plus strand). Cytogenetic location: 2q37.3.
Variant type: single nucleotide variant.
Coding change: c.507C>T on transcript NM_000030.3 (MANE Select); coding-DNA position 507, C replaced by T.
Protein change: p.Phe169=; no amino-acid change (phenylalanine 169 retained).
Molecular consequence: synonymous variant.
Genome position (GRCh38, 1-based): chr2:240,871,432, C>T. VCF-style: chr2-240871432-C-T. GRCh37 (hg19) VCF-style: chr2-241810849-C-T.
Identifiers: ClinVar variation 742216 (VCV000742216.13), dbSNP rs1452888199, ClinGen allele CA432023254.

ClinVar aggregate classification (germline): Benign/Likely benign. Review status: criteria provided, multiple submitters, no conflicts (2 of 4 stars). 4 submissions from 4 submitters: Benign (1); Likely benign (2). 1 of the submissions does not count toward it. Last evaluated 2026-01-16.

Conditions:
AGXT-related disorder. Also called: AGXT-related condition.

Allele frequency attached by ClinVar (database versions not stated): gnomAD exomes 0.00001.
gnomAD v4.1: 11 of 1,593,596 alleles (0.00069%); highest among the groups gnomAD compares: Middle Eastern, 0.017%; no homozygotes.

Submissions (4):

Labcorp Genetics (formerly Invitae), Labcorp
Classification: Likely benign. Last evaluated: 2026-01-16. Review status: criteria provided, single submitter. Criteria: Invitae Variant Classification Sherloc (09022015). Collection method: clinical testing. Allele origin: germline.

Blueprint Genetics
Classification: Benign. Last evaluated: 2020-04-28. Review status: criteria provided, single submitter. Criteria: ACMG Guidelines, 2015. Collection method: clinical testing. Allele origin: germline.

Breakthrough Genomics
Classification: Likely benign. Review status: criteria provided, single submitter. Criteria: ACMG Guidelines, 2015. Collection method: not provided. Allele origin: germline. Inheritance: Autosomal recessive inheritance. Affected: yes.

PreventionGenetics, part of Exact Sciences
Classification: Likely benign for AGXT-related condition. Last evaluated: 2023-06-22. Review status: no assertion criteria provided. Collection method: clinical testing. Allele origin: germline. Not counted in ClinVar's aggregate classification.
Comment: This variant is classified as likely benign based on ACMG/AMP sequence variant interpretation guidelines (Richards et al. 2015 PMID: 25741868, with internal and published modifications).